The following is an entry in ClinVar:

NM_138420.4(AHNAK2):c.10515C>T (p.Ala3505=)

Gene: AHNAK2 (AHNAK nucleoprotein 2; minus strand). Cytogenetic location: 14q32.33.
Variant type: single nucleotide variant.
Coding change: c.10515C>T on transcript NM_138420.4 (MANE Select); coding-DNA position 10515, C replaced by T.
Protein change: p.Ala3505=; no amino-acid change (alanine 3505 retained).
Molecular consequence: synonymous variant.
Genome position (GRCh38, 1-based): chr14:104,944,936, G>A on the plus strand (C>T on the coding strand, the complement: AHNAK2 is on the minus strand). VCF-style: chr14-104944936-G-A. GRCh37 (hg19) VCF-style: chr14-105411273-G-A.
Other names: c.10215C>T, p.Ala3405= (NM_001350929.2).
Identifiers: ClinVar variation 2644666 (VCV002644666.24), dbSNP rs375160014, ClinGen allele CA7379089.

ClinVar aggregate classification (germline): Likely benign (1 of 4 stars; one submission).

Allele frequency attached by ClinVar (database versions not stated): ESP Exome Variant Server 0.00016; ExAC 0.00017.
gnomAD v4.1: 202 of 1,612,966 alleles (0.013%); highest among the groups gnomAD compares: African/African-American, 0.074%; no homozygotes.

Submission:

CeGaT Center for Human Genetics Tuebingen
Classification: Likely benign. Last evaluated: 2023-04-01. Review status: criteria provided, single submitter. Criteria: CeGaT Center For Human Genetics Tuebingen Variant Classification Criteria Version 2. Collection method: clinical testing. Allele origin: germline. Affected: yes. Observed: 2 variant alleles.
Comment: AHNAK2: BP4, BP7